The following is an entry in ClinVar:

NM_001302998.2(LIPI):c.827G>A (p.Arg276His)

Gene: LIPI (lipase I; minus strand). Cytogenetic location: 21q11.2.
Variant type: single nucleotide variant.
Coding change: c.827G>A on transcript NM_001302998.2 (MANE Select); coding-DNA position 827, G replaced by A.
Protein change: p.Arg276His; replaces arginine 276 with histidine.
Molecular consequence: missense variant. On other transcripts: intron variant (1).
Genome position (GRCh38, 1-based): chr21:14,165,297, C>T on the plus strand (G>A on the coding strand, the complement: LIPI is on the minus strand). VCF-style: chr21-14165297-C-T. GRCh37 (hg19) VCF-style: chr21-15537618-C-T.
Other names: c.737G>A, p.Arg246His (NM_001302999.2); c.827G>A, p.Arg276His (NM_001303000.2, NM_001303001.2); c.332G>A, p.Arg111His (NM_001379566.1); c.692G>A, p.Arg231His (NM_198996.4); c.734-12G>A (NM_001379565.1); short protein forms R231H, R246H, R276H, R111H.
Identifiers: ClinVar variation 1418876 (VCV001418876.8), dbSNP rs146076683, ClinGen allele CA9979519.

ClinVar aggregate classification (germline): Uncertain significance. Review status: criteria provided, multiple submitters, no conflicts (2 of 4 stars). 2 submissions from 2 submitters: Uncertain significance (2). Last evaluated 2024-12-27.

Allele frequency attached by ClinVar (database versions not stated): 1000 Genomes Project 0.00060; 1000 Genomes Project 30x 0.00062.
gnomAD v4.1: 233 of 1,611,900 alleles (0.014%); highest among the groups gnomAD compares: South Asian, 0.12%; no homozygotes.

Submissions (2):

Labcorp Genetics (formerly Invitae), Labcorp
Classification: Uncertain significance. Last evaluated: 2024-12-27. Review status: criteria provided, single submitter. Criteria: Invitae Variant Classification Sherloc (09022015). Collection method: clinical testing. Allele origin: germline.
Comment: This sequence change replaces arginine, which is basic and polar, with histidine, which is basic and polar, at codon 297 of the LIPI protein (p.Arg297His). This variant is present in population databases (rs146076683, gnomAD 0.2%), and has an allele count higher than expected for a pathogenic variant. This variant has not been reported in the literature in individuals affected with LIPI-related conditions. ClinVar contains an entry for this variant (Variation ID: 1418876). An algorithm developed to predict the effect of missense changes on protein structure and function outputs the following: PolyPhen-2: "Benign". The histidine amino acid residue is found in multiple mammalian species, which suggests that this missense change does not adversely affect protein function. In summary, the available evidence is currently insufficient to determine the role of this variant in disease. Therefore, it has been classified as a Variant of Uncertain Significance.

Breakthrough Genomics
Classification: Uncertain significance. Review status: criteria provided, single submitter. Criteria: ACMG Guidelines, 2015. Collection method: not provided. Allele origin: germline. Inheritance: Autosomal dominant inheritance. Affected: yes.